The following is an entry in ClinVar:

ClinVar aggregate classification (germline): Uncertain significance. Review status: criteria provided, multiple submitters, no conflicts (2 of 4 stars). 2 submissions from 2 submitters: Uncertain significance (2). Last evaluated 2025-10-30.

Conditions:
Inborn genetic diseases. Identifiers: MedGen C0950123, MeSH D030342.

gnomAD v4.1: 1 of 1,612,256 alleles (0.000062%); highest among the groups gnomAD compares: Non-Finnish European, 0.000085%; no homozygotes.

Submissions (2):

Ambry Genetics
Classification: Uncertain significance for Inborn genetic diseases. Last evaluated: 2025-10-30. Review status: criteria provided, single submitter. Criteria: Ambry Variant Classification Scheme 2023. Collection method: clinical testing. Allele origin: germline.
Comment: The p.C452S variant (also known as c.1354T>A), located in coding exon 8 of the ETV6 gene, results from a T to A substitution at nucleotide position 1354. The cysteine at codon 452 is replaced by serine, an amino acid with dissimilar properties. This amino acid position is conserved. In addition, the in silico prediction for this alteration is inconclusive. Based on the available evidence, the clinical significance of this variant remains unclear.

GeneDx
Classification: Uncertain significance. Last evaluated: 2024-02-12. Review status: criteria provided, single submitter. Criteria: GeneDx Variant Classification Process June 2021. Collection method: clinical testing. Allele origin: germline. Affected: yes.
Comment: Not observed at significant frequency in large population cohorts (gnomAD); In silico analysis supports that this missense variant does not alter protein structure/function; Has not been previously published as pathogenic or benign to our knowledge

NM_001987.5(ETV6):c.1354T>A (p.Cys452Ser)

Gene: ETV6 (ETS variant transcription factor 6; plus strand). Cytogenetic location: 12p13.2.
Variant type: single nucleotide variant.
Coding change: c.1354T>A on transcript NM_001987.5 (MANE Select); coding-DNA position 1354, T replaced by A.
Protein change: p.Cys452Ser; replaces cysteine 452 with serine.
Molecular consequence: missense variant. On other transcripts: 3 prime UTR variant (1).
Genome position (GRCh38, 1-based): chr12:11,891,041, T>A. VCF-style: chr12-11891041-T-A. GRCh37 (hg19) VCF-style: chr12-12043975-T-A.
Other names: c.1351T>A, p.Cys451Ser (NM_001413913.1); c.1327T>A, p.Cys443Ser (NM_001413914.1); c.1090T>A, p.Cys364Ser (NM_001413915.1); c.*93T>A (NM_001413917.1); short protein forms C364S, C443S, C451S, C452S.
Identifiers: ClinVar variation 3369166 (VCV003369166.2).